The following is an entry in ClinVar:

ClinVar aggregate classification (germline): Uncertain significance (1 of 4 stars; one submission).

Conditions:
Hereditary cancer-predisposing syndrome. Also called: Neoplastic Syndromes, Hereditary; Tumor predisposition; Hereditary neoplastic syndrome; Hereditary Cancer Syndrome. Identifiers: Orphanet 140162, MedGen C0027672, MeSH D009386, MONDO:0015356.

Submission:

Ambry Genetics
Classification: Uncertain significance for Hereditary cancer-predisposing syndrome. Last evaluated: 2026-06-25. Review status: criteria provided, single submitter. Criteria: Ambry Variant Classification Scheme 2023. Collection method: clinical testing. Allele origin: germline.
Comment: The p.K775T variant (also known as c.2324A>C), located in coding exon 17 of the MSH3 gene, results from an A to C substitution at nucleotide position 2324. The lysine at codon 775 is replaced by threonine, an amino acid with similar properties. This amino acid position is conserved. In addition, this alteration is predicted to be deleterious by in silico analysis. Based on the available evidence, the clinical significance of this variant remains unclear.

NM_002439.5(MSH3):c.2324A>C (p.Lys775Thr)

Gene: MSH3 (mutS homolog 3; plus strand). Cytogenetic location: 5q14.1.
Variant type: single nucleotide variant.
Coding change: c.2324A>C on transcript NM_002439.5 (MANE Select); coding-DNA position 2324, A replaced by C.
Protein change: p.Lys775Thr; replaces lysine 775 with threonine.
Molecular consequence: missense variant.
Genome position (GRCh38, 1-based): chr5:80,778,725, A>C. VCF-style: chr5-80778725-A-C. GRCh37 (hg19) VCF-style: chr5-80074544-A-C.
Other names: short protein forms K775T.
Identifiers: ClinVar variation 5024749 (VCV005024749.1).